The following is an entry in ClinVar:

NM_000135.4(FANCA):c.2996A>G (p.Asp999Gly)

Gene: FANCA (FA complementation group A; minus strand). Cytogenetic location: 16q24.3.
Variant type: single nucleotide variant.
Coding change: c.2996A>G on transcript NM_000135.4 (MANE Select); coding-DNA position 2996, A replaced by G.
Protein change: p.Asp999Gly; replaces aspartic acid 999 with glycine.
Molecular consequence: missense variant.
Genome position (GRCh38, 1-based): chr16:89,752,208, T>C on the plus strand (A>G on the coding strand, the complement: FANCA is on the minus strand). VCF-style: chr16-89752208-T-C. GRCh37 (hg19) VCF-style: chr16-89818616-T-C.
Other names: c.2996A>G, p.Asp999Gly (NM_001286167.3); short protein forms D999G.
Identifiers: ClinVar variation 1356874 (VCV001356874.3), dbSNP rs2143164062, ClinGen allele CA397426432.

ClinVar aggregate classification (germline): Uncertain significance (1 of 4 stars; one submission).

Conditions:
Fanconi anemia (FA). Also called: Fanconi's anemia. Identifiers: Orphanet 84, MedGen C0015625, MeSH D005199, MONDO:0019391.

gnomAD v4.1: 1 of 1,613,744 alleles (0.000062%); highest among the groups gnomAD compares: Admixed American, 0.0017%; no homozygotes.

Submission:

Labcorp Genetics (formerly Invitae), Labcorp
Classification: Uncertain significance for Fanconi anemia. Last evaluated: 2021-09-02. Review status: criteria provided, single submitter. Criteria: Invitae Variant Classification Sherloc (09022015). Collection method: clinical testing. Allele origin: germline.
Comment: This sequence change replaces aspartic acid with glycine at codon 999 of the FANCA protein (p.Asp999Gly). The aspartic acid residue is weakly conserved and there is a moderate physicochemical difference between aspartic acid and glycine. This variant is not present in population databases (ExAC no frequency). This variant has not been reported in the literature in individuals affected with FANCA-related conditions. Advanced modeling of protein sequence and biophysical properties (such as structural, functional, and spatial information, amino acid conservation, physicochemical variation, residue mobility, and thermodynamic stability) performed at Invitae indicates that this missense variant is not expected to disrupt FANCA protein function. In summary, the available evidence is currently insufficient to determine the role of this variant in disease. Therefore, it has been classified as a Variant of Uncertain Significance.